The following is an entry in ClinVar:

NM_053025.4(MYLK):c.1289C>G (p.Thr430Ser)

Gene: MYLK (myosin light chain kinase; minus strand). Cytogenetic location: 3q21.1.
Variant type: single nucleotide variant.
Coding change: c.1289C>G on transcript NM_053025.4 (MANE Select); coding-DNA position 1289, C replaced by G.
Protein change: p.Thr430Ser; replaces threonine 430 with serine.
Molecular consequence: missense variant.
Genome position (GRCh38, 1-based): chr3:123,733,707, G>C on the plus strand (C>G on the coding strand, the complement: MYLK is on the minus strand). VCF-style: chr3-123733707-G-C. GRCh37 (hg19) VCF-style: chr3-123452554-G-C.
Other names: c.761C>G, p.Thr254Ser (NM_001321309.2); c.1289C>G, p.Thr430Ser (NM_053026.4, NM_053027.4, NM_053028.4); short protein forms T430S, T254S.
Identifiers: ClinVar variation 539071 (VCV000539071.8), dbSNP rs1386279142, ClinGen allele CA354238748.

ClinVar aggregate classification (germline): Uncertain significance (1 of 4 stars; one submission).

Conditions:
Aortic aneurysm, familial thoracic 7 (AAT7). Also called: AORTIC DISSECTION, FAMILIAL, WITH OR WITHOUT AORTIC ANEURYSM. Identifiers: MedGen C3151077, MONDO:0013418, OMIM 613780.

gnomAD v4.1: 3 of 1,614,158 alleles (0.00019%); highest among the groups gnomAD compares: Non-Finnish European, 0.00025%; no homozygotes.

Submission:

Labcorp Genetics (formerly Invitae), Labcorp
Classification: Uncertain significance for Aortic aneurysm, familial thoracic 7. Last evaluated: 2023-04-22. Review status: criteria provided, single submitter. Criteria: Invitae Variant Classification Sherloc (09022015). Collection method: clinical testing. Allele origin: germline.
Comment: In summary, the available evidence is currently insufficient to determine the role of this variant in disease. Therefore, it has been classified as a Variant of Uncertain Significance. Advanced modeling of protein sequence and biophysical properties (such as structural, functional, and spatial information, amino acid conservation, physicochemical variation, residue mobility, and thermodynamic stability) performed at Invitae indicates that this missense variant is not expected to disrupt MYLK protein function. ClinVar contains an entry for this variant (Variation ID: 539071). This variant has not been reported in the literature in individuals affected with MYLK-related conditions. This variant is not present in population databases (gnomAD no frequency). This sequence change replaces threonine, which is neutral and polar, with serine, which is neutral and polar, at codon 430 of the MYLK protein (p.Thr430Ser).